The following is an entry in ClinVar:

ClinVar aggregate classification (germline): Likely pathogenic (1 of 4 stars; one submission).

Conditions:
Hypomyelination and Congenital Cataract (HLD5). Also called: hypomyelinating leukodystrophy 5. Identifiers: Orphanet 85163, MedGen C1864663, MONDO:0012514, OMIM 610532.

Submission:

Broad Center for Mendelian Genomics, Broad Institute of MIT and Harvard
Classification: Likely pathogenic for Hypomyelination and Congenital Cataract. Last evaluated: 2018-06-15. Review status: criteria provided, single submitter. Criteria: ACMG Guidelines, 2015. Collection method: research. Allele origin: germline. Inheritance: Autosomal recessive inheritance. Affected: yes.
Comment: This variant was absent from large population studies. Computational prediction tools do not provide strong support for or against an impact to the protein. Loss of function of the FAM126A gene is an established disease mechanism in autosomal recessive hypomyelinating leukodystrophy, and this is a loss of function variant. In summary, although additional studies are required to fully establish its pathogenicity, this variant is likely pathogenic.

NM_032581.4(HYCC1):c.100_101del (p.Lys34fs)

Gene: HYCC1 (hyccin PI4KA lipid kinase complex subunit 1; minus strand). Cytogenetic location: 7p15.3.
Variant type: Deletion.
Coding change: c.100_101del on transcript NM_032581.4 (MANE Select); coding-DNA positions 100 to 101, 2 bases deleted (AA; older notation c.100_101delAA).
Protein change: p.Lys34fs; shifts the reading frame from lysine 34.
Molecular consequence: frameshift variant.
Genome position (GRCh38, 1-based): chr7:22,983,996-22,983,997, TT deleted on the plus strand (AA on the coding strand, the reverse complement: HYCC1 is on the minus strand). VCF-style (leftmost placement, unchanged base first): chr7-22983995-CTT-C. GRCh37 (hg19) VCF-style: chr7-23023614-CTT-C.
Other names: c.100_101del, p.Lys34fs (NM_001363466.2, NM_001363467.2); short protein forms K34fs.
Identifiers: ClinVar variation 635049 (VCV000635049.2), dbSNP rs1562502139, ClinGen allele CA658795133.
Genomic context (GRCh38, chr7:22,983,995, plus strand): 5'-AGTACTTACCTCACTTTGTGGCTCCTGGATAACTTTATAGAGAGATGAAACTAAAGAACT[CTT>C]GTCTTTCAAATTTGTGGCATAATTTGGTAAAGATGTTTCTGGTAATGTCTAAACAAATTT-3'